The following is an entry in ClinVar:

ClinVar aggregate classification (germline): Uncertain significance (1 of 4 stars; one submission).

Conditions:
Fanconi anemia complementation group O. Also called: RAD51C-Related Fanconi Anemia. Identifiers: Orphanet 84, MedGen C3150653, MONDO:0013248, OMIM 613390.

Allele frequency attached by ClinVar (database versions not stated): gnomAD 0.00001; 1000 Genomes Project 30x 0.00016; 1000 Genomes Project 0.00020.
gnomAD v4.1: 1 of 1,610,290 alleles (0.000062%); highest among the groups gnomAD compares: East Asian, 0.0022%; no homozygotes.

Submission:

Labcorp Genetics (formerly Invitae), Labcorp
Classification: Uncertain significance for Fanconi anemia complementation group O. Last evaluated: 2022-03-01. Review status: criteria provided, single submitter. Criteria: Invitae Variant Classification Sherloc (09022015). Collection method: clinical testing. Allele origin: germline.
Comment: In summary, the available evidence is currently insufficient to determine the role of this variant in disease. Therefore, it has been classified as a Variant of Uncertain Significance. Variants that disrupt the consensus splice site are a relatively common cause of aberrant splicing (PMID: 17576681, 9536098). Algorithms developed to predict the effect of sequence changes on RNA splicing suggest that this variant may disrupt the consensus splice site. This variant has not been reported in the literature in individuals affected with RAD51C-related conditions. This variant is not present in population databases (gnomAD no frequency). This sequence change falls in intron 5 of the RAD51C gene. It does not directly change the encoded amino acid sequence of the RAD51C protein. It affects a nucleotide within the consensus splice site.

Literature cited by the submitters: PubMed 17576681; PubMed 9536098.

NM_058216.3(RAD51C):c.837+4A>G

Gene: RAD51C (RAD51 paralog C; plus strand). Cytogenetic location: 17q22.
Variant type: single nucleotide variant.
Coding change: c.837+4A>G on transcript NM_058216.3 (MANE Select); 4 bases into the intron after coding-DNA position 837, A replaced by G.
Molecular consequence: intron variant.
Genome position (GRCh38, 1-based): chr17:58,709,994, A>G. VCF-style: chr17-58709994-A-G. GRCh37 (hg19) VCF-style: chr17-56787355-A-G.
Identifiers: ClinVar variation 1963087 (VCV001963087.5), dbSNP rs561784579, ClinGen allele CA292059472.